The following is an entry in ClinVar:

NM_206933.4(USH2A):c.2561C>A (p.Thr854Lys)

Genes: USH2A (usherin; minus strand), LOC122152296 (Sharpr-MPRA regulatory region 8762; plus strand). Cytogenetic location: 1q41.
Variant type: single nucleotide variant.
Coding change: c.2561C>A on transcript NM_206933.4 (MANE Select); coding-DNA position 2561, C replaced by A.
Protein change: p.Thr854Lys; replaces threonine 854 with lysine.
Molecular consequence: missense variant.
Genome position (GRCh38, 1-based): chr1:216,246,833, G>T on the plus strand (C>A on the coding strand, the complement: USH2A is on the minus strand). VCF-style: chr1-216246833-G-T. GRCh37 (hg19) VCF-style: chr1-216420175-G-T.
Other names: c.2561C>A, p.Thr854Lys (NM_007123.6); short protein forms T854K.
Identifiers: ClinVar variation 965120 (VCV000965120.8), dbSNP rs1288923263, ClinGen allele CA344864530.

ClinVar aggregate classification (germline): Uncertain significance. Review status: criteria provided, multiple submitters, no conflicts (2 of 4 stars). 2 submissions from 2 submitters: Uncertain significance (2). Last evaluated 2025-08-01.

Conditions:
Inborn genetic diseases. Identifiers: MedGen C0950123, MeSH D030342.

Allele frequency attached by ClinVar (database versions not stated): gnomAD exomes below 0.00001; TOPMed below 0.00001; gnomAD 0.00001.
gnomAD v4.1: 2 of 1,614,016 alleles (0.00012%); highest among the groups gnomAD compares: Non-Finnish European, 0.00017%; no homozygotes.

Submissions (2):

Ambry Genetics
Classification: Uncertain significance for Inborn genetic diseases. Last evaluated: 2025-08-01. Review status: criteria provided, single submitter. Criteria: Ambry Variant Classification Scheme 2023. Collection method: clinical testing. Allele origin: germline.

Labcorp Genetics (formerly Invitae), Labcorp
Classification: Uncertain significance. Last evaluated: 2022-07-11. Review status: criteria provided, single submitter. Criteria: Invitae Variant Classification Sherloc (09022015). Collection method: clinical testing. Allele origin: germline.
Comment: This sequence change replaces threonine, which is neutral and polar, with lysine, which is basic and polar, at codon 854 of the USH2A protein (p.Thr854Lys). This variant is not present in population databases (gnomAD no frequency). This variant has not been reported in the literature in individuals affected with USH2A-related conditions. ClinVar contains an entry for this variant (Variation ID: 965120). Algorithms developed to predict the effect of missense changes on protein structure and function (SIFT, PolyPhen-2, Align-GVGD) all suggest that this variant is likely to be disruptive. In summary, the available evidence is currently insufficient to determine the role of this variant in disease. Therefore, it has been classified as a Variant of Uncertain Significance.